The following is an entry in ClinVar:

NM_145290.4(ADGRA3):c.57_71del (p.Ser20_Leu24del)

Gene: ADGRA3 (adhesion G protein-coupled receptor A3; minus strand). Cytogenetic location: 4p15.2.
Variant type: Deletion.
Coding change: c.57_71del on transcript NM_145290.4 (MANE Select); coding-DNA positions 57 to 71, 15 bases deleted (CTCGCTGTTAGCGCT).
Protein change: p.Ser20_Leu24del.
Molecular consequence: inframe deletion.
Genome position (GRCh38, 1-based): chr4:22,515,714-22,515,728, AGCGCTAACAGCGAG deleted on the plus strand (CTCGCTGTTAGCGCT on the coding strand, the reverse complement: ADGRA3 is on the minus strand); deleting any 15 consecutive bases within chr4:22,515,714-22,515,732 gives the same sequence; the c. name uses the placement nearest the transcript's 3' end. VCF-style (leftmost placement, unchanged base first): chr4-22515713-CAGCGCTAACAGCGAG-C. GRCh37 (hg19) VCF-style: chr4-22517336-CAGCGCTAACAGCGAG-C.
Identifiers: ClinVar variation 1468522 (VCV001468522.8), dbSNP rs1326579091, ClinGen allele CA793065480.

ClinVar aggregate classification (germline): Uncertain significance (1 of 4 stars; one submission).

Submission:

Labcorp Genetics (formerly Invitae), Labcorp
Classification: Uncertain significance. Last evaluated: 2023-08-30. Review status: criteria provided, single submitter. Criteria: Invitae Variant Classification Sherloc (09022015). Collection method: clinical testing. Allele origin: germline.
Comment: This variant has not been reported in the literature in individuals affected with ADGRA3-related conditions. This variant, c.57_71del, results in the deletion of 5 amino acid(s) of the ADGRA3 protein (p.Ser20_Leu24del), but otherwise preserves the integrity of the reading frame. The frequency data for this variant in the population databases is considered unreliable, as metrics indicate insufficient coverage at this position in the gnomAD database. ClinVar contains an entry for this variant (Variation ID: 1468522). Experimental studies and prediction algorithms are not available or were not evaluated, and the functional significance of this variant is currently unknown. In summary, the available evidence is currently insufficient to determine the role of this variant in disease. Therefore, it has been classified as a Variant of Uncertain Significance.